The following is an entry in ClinVar:

NM_003036.4(SKI):c.1394C>G (p.Pro465Arg)

Gene: SKI (SKI proto-oncogene; plus strand). Cytogenetic location: 1p36.32.
Variant type: single nucleotide variant.
Coding change: c.1394C>G on transcript NM_003036.4 (MANE Select); coding-DNA position 1394, C replaced by G.
Protein change: p.Pro465Arg; replaces proline 465 with arginine.
Molecular consequence: missense variant.
Genome position (GRCh38, 1-based): chr1:2,304,022, C>G. VCF-style: chr1-2304022-C-G. GRCh37 (hg19) VCF-style: chr1-2235461-C-G.
Other names: short protein forms P465R.
Identifiers: ClinVar variation 4806623 (VCV004806623.1).
Genomic context (GRCh38, chr1:2,304,022, plus strand): 5'-CTCTCGCCACTTGCACCCAGCCTCGGAAGCGGAAGCTGACTGTGGACACCCCAGGAGCCC[C>G]AGAGACGCTGGCGCCCGTGGCTGCCCCAGAGGAGGACAAGGACTCGGAGGCGGAGGTGGA-3'
Protein context (NP_003027.1, residues 455-475): RKLTVDTPGA[Pro465Arg]ETLAPVAAPE

ClinVar aggregate classification (germline): Uncertain significance (1 of 4 stars; one submission).

Conditions:
Shprintzen-Goldberg syndrome (SGS). Also called: Marfanoid disorder with craniosynostosis type 1; Marfanoid craniosynostosis syndrome; Shprintzen-Goldberg marfanoid syndrome; SHPRINTZEN-GOLDBERG CRANIOSYNOSTOSIS SYNDROME; CRANIOSYNOSTOSIS WITH ARACHNODACTYLY AND ABDOMINAL HERNIAS. Identifiers: Orphanet 2462, MedGen C1321551, MONDO:0008426, OMIM 182212.

Submission:

Labcorp Genetics (formerly Invitae), Labcorp
Classification: Uncertain significance for Shprintzen-Goldberg syndrome. Last evaluated: 2025-10-09. Review status: criteria provided, single submitter. Criteria: Invitae Variant Classification Sherloc (09022015). Collection method: clinical testing. Allele origin: germline.
Comment: This sequence change replaces proline, which is neutral and non-polar, with arginine, which is basic and polar, at codon 465 of the SKI protein (p.Pro465Arg). This variant is not present in population databases (gnomAD no frequency). This variant has not been reported in the literature in individuals affected with SKI-related conditions. Invitae Evidence Modeling of protein sequence and biophysical properties (such as structural, functional, and spatial information, amino acid conservation, physicochemical variation, residue mobility, and thermodynamic stability) indicates that this missense variant is not expected to disrupt SKI protein function with a negative predictive value of 95%. In summary, the available evidence is currently insufficient to determine the role of this variant in disease. Therefore, it has been classified as a Variant of Uncertain Significance.